The following is an entry in ClinVar:

ClinVar aggregate classification (germline): Benign. Review status: criteria provided, multiple submitters, no conflicts (2 of 4 stars). 6 submissions from 6 submitters: Benign (5). 1 of the submissions does not count toward it. Last evaluated 2026-01-28.

Conditions:
Rhizomelic chondrodysplasia punctata type 2 (RCDP2). Also called: DIHYDROXYACETONEPHOSPHATE ACYLTRANSFERASE DEFICIENCY; glyceronephosphate O-acyltransferase (GNPAT) deficiency; Glyceronephosphate O-acyltransferase deficiency; DHAPAT DEFICIENCY; PEROXISOMAL DIHYDROXYACETONEPHOSPHATE ACYLTRANSFERASE DEFICIENCY; Chondrodysplasia punctata, rhizomelic, due to dihydroxyacetonephosphate acyltransferase deficiency. Identifiers: Orphanet 177, Orphanet 309796, MedGen C1857242, MONDO:0100273, OMIM 222765. Disease mechanism: loss of function.

Allele frequency attached by ClinVar (database versions not stated): 1000 Genomes Project 30x 0.01374; ESP Exome Variant Server 0.01553; gnomAD exomes 0.00110 and 0.00282; ExAC 0.00377; gnomAD 0.01197 and 0.01110; 1000 Genomes Project 0.01218; TOPMed 0.01246.

Submissions (6):

Labcorp Genetics (formerly Invitae), Labcorp
Classification: Benign. Last evaluated: 2026-01-28. Review status: criteria provided, single submitter. Criteria: Invitae Variant Classification Sherloc (09022015). Collection method: clinical testing. Allele origin: germline.

ARUP Laboratories, Molecular Genetics and Genomics, ARUP Laboratories
Classification: Benign for Rhizomelic chondrodysplasia punctata type 2. Last evaluated: 2024-07-24. Review status: criteria provided, single submitter. Criteria: ARUP Molecular Germline Variant Investigation Process 2024. Collection method: clinical testing. Allele origin: germline.

Illumina Laboratory Services, Illumina
Classification: Benign for Rhizomelic chondrodysplasia punctata type 2. Last evaluated: 2018-01-12. Review status: criteria provided, single submitter. Criteria: ICSL Variant Classification Criteria 13 December 2019. Collection method: clinical testing. Allele origin: germline.
Comment: This variant was observed in the ICSL laboratory as part of a predisposition screen in an ostensibly healthy population. It had not been previously curated by ICSL or reported in the Human Gene Mutation Database (HGMD: prior to June 1st, 2018), and was therefore a candidate for classification through an automated scoring system. Utilizing variant allele frequency, disease prevalence and penetrance estimates, and inheritance mode, an automated score was calculated to assess if this variant is too frequent to cause the disease. Based on the score and internal cut-off values, a variant classified as benign is not then subjected to further curation. The score for this variant resulted in a classification of benign for this disease.

GeneDx
Classification: Benign. Last evaluated: 2016-08-01. Review status: criteria provided, single submitter. Criteria: GeneDx Variant Classification (06012015). Collection method: clinical testing. Allele origin: germline. Affected: yes.
Comment: This variant is considered likely benign or benign based on one or more of the following criteria: it is a conservative change, it occurs at a poorly conserved position in the protein, it is predicted to be benign by multiple in silico algorithms, and/or has population frequency not consistent with disease.

Breakthrough Genomics
Classification: Benign. Review status: criteria provided, single submitter. Criteria: ACMG Guidelines, 2015. Collection method: not provided. Allele origin: germline. Inheritance: Autosomal recessive inheritance. Affected: yes.

Mayo Clinic Laboratories, Mayo Clinic
Classification: Benign. Last evaluated: 2018-02-15. Review status: no assertion criteria provided. Collection method: clinical testing. Allele origin: unknown. Not counted in ClinVar's aggregate classification.

NM_014236.4(GNPAT):c.1479C>T (p.Ser493=)

Gene: GNPAT (glyceronephosphate O-acyltransferase; plus strand). Cytogenetic location: 1q42.2.
Variant type: single nucleotide variant.
Coding change: c.1479C>T on transcript NM_014236.4 (MANE Select); coding-DNA position 1479, C replaced by T.
Protein change: p.Ser493=; no amino-acid change (serine 493 retained).
Molecular consequence: synonymous variant.
Genome position (GRCh38, 1-based): chr1:231,270,957, C>T. VCF-style: chr1-231270957-C-T. GRCh37 (hg19) VCF-style: chr1-231406703-C-T.
Other names: c.1296C>T, p.Ser432= (NM_001316350.2).
Identifiers: ClinVar variation 296128 (VCV000296128.26), dbSNP rs35033351, ClinGen allele CA1452032.